The following is an entry in ClinVar:

ClinVar aggregate classification (germline): Uncertain significance (1 of 4 stars; one submission).

Submission:

Greenwood Genetic Center Diagnostic Laboratories, Greenwood Genetic Center
Classification: Uncertain significance. Last evaluated: 2025-05-08. Review status: criteria provided, single submitter. Criteria: ACMG Guidelines, 2015. Collection method: clinical testing. Allele origin: germline. Affected: yes.
Comment: PM2, BP4, PP2

NM_004380.3(CREBBP):c.2407A>G (p.Ser803Gly)

Gene: CREBBP (CREB binding lysine acetyltransferase; minus strand). Cytogenetic location: 16p13.3.
Variant type: single nucleotide variant.
Coding change: c.2407A>G on transcript NM_004380.3 (MANE Select); coding-DNA position 2407, A replaced by G.
Protein change: p.Ser803Gly; replaces serine 803 with glycine.
Molecular consequence: missense variant.
Genome position (GRCh38, 1-based): chr16:3,773,807, T>C on the plus strand (A>G on the coding strand, the complement: CREBBP is on the minus strand). VCF-style: chr16-3773807-T-C. GRCh37 (hg19) VCF-style: chr16-3823808-T-C.
Other names: c.2293A>G, p.Ser765Gly (NM_001079846.1); short protein forms S765G, S803G.
Identifiers: ClinVar variation 4538229 (VCV004538229.1).